The following is an entry in ClinVar:

ClinVar aggregate classification (germline): Uncertain significance (1 of 4 stars; one submission).

Conditions:
Hereditary hyperekplexia. Identifiers: Orphanet 3197, MedGen C4084968, MONDO:0021022.

Submission:

Labcorp Genetics (formerly Invitae), Labcorp
Classification: Uncertain significance for Hereditary hyperekplexia. Last evaluated: 2024-12-05. Review status: criteria provided, single submitter. Criteria: Invitae Variant Classification Sherloc (09022015). Collection method: clinical testing. Allele origin: germline.
Comment: This sequence change replaces serine, which is neutral and polar, with cysteine, which is neutral and slightly polar, at codon 110 of the GLRA1 protein (p.Ser110Cys). This variant is not present in population databases (gnomAD no frequency). This variant has not been reported in the literature in individuals affected with GLRA1-related conditions. Invitae Evidence Modeling of protein sequence and biophysical properties (such as structural, functional, and spatial information, amino acid conservation, physicochemical variation, residue mobility, and thermodynamic stability) indicates that this missense variant is not expected to disrupt GLRA1 protein function with a negative predictive value of 80%. In summary, the available evidence is currently insufficient to determine the role of this variant in disease. Therefore, it has been classified as a Variant of Uncertain Significance.

NM_000171.4(GLRA1):c.329C>G (p.Ser110Cys)

Gene: GLRA1 (glycine receptor alpha 1; minus strand). Cytogenetic location: 5q33.1.
Variant type: single nucleotide variant.
Coding change: c.329C>G on transcript NM_000171.4 (MANE Select); coding-DNA position 329, C replaced by G.
Protein change: p.Ser110Cys; replaces serine 110 with cysteine.
Molecular consequence: missense variant.
Genome position (GRCh38, 1-based): chr5:151,859,932, G>C on the plus strand (C>G on the coding strand, the complement: GLRA1 is on the minus strand). VCF-style: chr5-151859932-G-C. GRCh37 (hg19) VCF-style: chr5-151239493-G-C.
Other names: c.329C>G, p.Ser110Cys (NM_001146040.2); c.80C>G, p.Ser27Cys (NM_001292000.2); short protein forms S110C, S27C.
Identifiers: ClinVar variation 3661529 (VCV003661529.2).